The following is an entry in ClinVar:

NM_005591.4(MRE11):c.1645G>C (p.Asp549His)

Gene: MRE11 (MRE11 double strand break repair nuclease; minus strand). Cytogenetic location: 11q21.
Variant type: single nucleotide variant.
Coding change: c.1645G>C on transcript NM_005591.4 (MANE Select); coding-DNA position 1645, G replaced by C.
Protein change: p.Asp549His; replaces aspartic acid 549 with histidine.
Molecular consequence: missense variant.
Genome position (GRCh38, 1-based): chr11:94,447,357, C>G on the plus strand (G>C on the coding strand, the complement: MRE11 is on the minus strand). VCF-style: chr11-94447357-C-G. GRCh37 (hg19) VCF-style: chr11-94180523-C-G.
Other names: c.1645G>C, p.Asp549His (NM_001330347.2, NM_005590.4); short protein forms D549H.
Identifiers: ClinVar variation 1799877 (VCV001799877.2), dbSNP rs1157435382, ClinGen allele CA382368509.
Genomic context (GRCh38, chr11:94,447,357, plus strand): 5'-CTTTGTTGGTTGCTGCTGAGATGCTATCATCAGAGTCATTAGCCATCTGTTCTGCTAAAT[C>G]TATACTCATAAGGTCATCAGCACTAAAGGCAGAAGCAGACTCCTCTGACTGAGATCTGAG-3'
Protein context (NP_005582.1, residues 539-559): AFSADDLMSI[Asp549His]LAEQMANDSD

ClinVar aggregate classification (germline): Uncertain significance (1 of 4 stars; one submission).

Conditions:
Hereditary cancer-predisposing syndrome. Also called: Neoplastic Syndromes, Hereditary; Tumor predisposition; Hereditary Cancer Syndrome; Hereditary neoplastic syndrome. Identifiers: Orphanet 140162, MedGen C0027672, MeSH D009386, MONDO:0015356.

Submission:

Ambry Genetics
Classification: Uncertain significance for Hereditary cancer-predisposing syndrome. Last evaluated: 2021-08-30. Review status: criteria provided, single submitter. Criteria: Ambry Variant Classification Scheme 2023. Collection method: clinical testing. Allele origin: germline.
Comment: The p.D549H variant (also known as c.1645G>C), located in coding exon 14 of the MRE11A gene, results from a G to C substitution at nucleotide position 1645. The aspartic acid at codon 549 is replaced by histidine, an amino acid with similar properties. This amino acid position is conserved. In addition, this alteration is predicted to be tolerated by in silico analysis. Since supporting evidence is limited at this time, the clinical significance of this alteration remains unclear.